The following is an entry in ClinVar:

ClinVar aggregate classification (germline): Pathogenic (1 of 4 stars; one submission).

Conditions:
Wolfram syndrome 1 (WFS1). Identifiers: Orphanet 3463, MedGen C4551693, MONDO:0009101, OMIM 222300.

Submission:

Variantyx, Inc.
Classification: Pathogenic for Wolfram syndrome 1. Last evaluated: 2025-07-21. Review status: criteria provided, single submitter. Criteria: Variantyx Assertion Criteria 2022. Collection method: clinical testing. Allele origin: germline. Inheritance: Autosomal recessive inheritance. Affected: yes.
Comment: This is a frameshift variant in the WFS1 gene (OMIM: 606201). Pathogenic variants in this gene have been associated with autosomal recessive Wolfram syndrome 1. This variant introduces a premature termination codon in exon 8 out of 8 and is expected to result in loss of function, which is a known disease mechanism for WFS1 in this disorder (PVS1). This variant has been identified in the homozygous or compound heterozygous state in at least 2 individuals reported in the published literature (PMID: 21602428, 23981289 (PM3) and is absent from control populations (PM2). Based on the current evidence, this variant is classified as pathogenic for autosomal recessive Wolfram syndrome 1.

Literature cited by the submitters: PubMed 21602428; PubMed 23981289.

NM_006005.3(WFS1):c.1251del (p.Ser418fs)

Gene: WFS1 (wolframin ER transmembrane glycoprotein; plus strand). Cytogenetic location: 4p16.1.
Variant type: Deletion.
Coding change: c.1251del on transcript NM_006005.3 (MANE Select); coding-DNA position 1251, one base deleted (C; older notation c.1251delC).
Protein change: p.Ser418fs; shifts the reading frame from serine 418.
Molecular consequence: frameshift variant.
Genome position (GRCh38, 1-based): chr4:6,301,046, C deleted. VCF-style (leftmost placement, unchanged base first): chr4-6301045-TC-T. GRCh37 (hg19) VCF-style: chr4-6302772-TC-T.
Other names: c.1251del, p.Ser418fs (NM_001145853.1); short protein forms S418fs.
Identifiers: ClinVar variation 4813727 (VCV004813727.1).